The following is an entry in ClinVar:

ClinVar aggregate classification (germline): Uncertain significance. Review status: criteria provided, multiple submitters, no conflicts (2 of 4 stars). 5 submissions from 5 submitters: Uncertain significance (5). Last evaluated 2026-01-22.

Conditions:
NLRP1-related disorder. Also called: NLRP1-related condition.

Allele frequency attached by ClinVar (database versions not stated): gnomAD exomes 0.00020 and 0.00032; ExAC 0.00024; 1000 Genomes Project 0.00040; gnomAD 0.00046 and 0.00050; 1000 Genomes Project 30x 0.00047; TOPMed 0.00052; ESP Exome Variant Server 0.00056.
gnomAD v4.1: 531 of 1,614,146 alleles (0.033%); highest among the groups gnomAD compares: African/African-American, 0.12%; no homozygotes.

Submissions (5):

Labcorp Genetics (formerly Invitae), Labcorp
Classification: Uncertain significance. Last evaluated: 2026-01-22. Review status: criteria provided, single submitter. Criteria: Invitae Variant Classification Sherloc (09022015). Collection method: clinical testing. Allele origin: germline.
Comment: This sequence change replaces arginine, which is basic and polar, with glutamine, which is neutral and polar, at codon 1438 of the NLRP1 protein (p.Arg1438Gln). This variant is present in population databases (rs201167590, gnomAD 0.1%). This variant has not been reported in the literature in individuals affected with NLRP1-related conditions. ClinVar contains an entry for this variant (Variation ID: 502755). An algorithm developed to predict the effect of missense changes on protein structure and function outputs the following: PolyPhen-2: "Benign". The glutamine amino acid residue is found in multiple mammalian species, which suggests that this missense change does not adversely affect protein function. In summary, the available evidence is currently insufficient to determine the role of this variant in disease. Therefore, it has been classified as a Variant of Uncertain Significance.

CeGaT Center for Human Genetics Tuebingen
Classification: Uncertain significance. Last evaluated: 2025-10-01. Review status: criteria provided, single submitter. Criteria: CeGaT Center For Human Genetics Tuebingen Variant Classification Criteria Version 2. Collection method: clinical testing. Allele origin: germline. Affected: yes. Observed: 1 variant allele.
Comment: NLRP1: PM2:Supporting, BP4

PreventionGenetics, part of Exact Sciences
Classification: Uncertain significance for NLRP1-related condition. Last evaluated: 2023-03-08. Review status: criteria provided, single submitter. Criteria: ACMG Guidelines, 2015. Collection method: clinical testing. Allele origin: germline.
Comment: The NLRP1 c.4313G>A variant is predicted to result in the amino acid substitution p.Arg1438Gln. To our knowledge, this variant has not been reported in the literature. This variant is reported in 0.13% of alleles in individuals of African descent in gnomAD, which may be too common to be an unreported disease-causing variant. At this time, the clinical significance of this variant is uncertain due to the absence of conclusive functional and genetic evidence.

Institute for Clinical Genetics, University Hospital TU Dresden, University Hospital TU Dresden
Classification: Uncertain significance. Last evaluated: 2022-05-10. Review status: criteria provided, single submitter. Criteria: ACMG Guidelines, 2015. Collection method: clinical testing. Allele origin: germline.

Eurofins Ntd Llc (ga)
Classification: Uncertain significance. Last evaluated: 2017-06-27. Review status: criteria provided, single submitter. Criteria: EGL Classification Definitions 2015. Collection method: clinical testing. Allele origin: germline. Observed: 1 variant allele, 1 heterozygote.

NM_033004.4(NLRP1):c.4313G>A (p.Arg1438Gln)

Gene: NLRP1 (NLR family pyrin domain containing 1; minus strand). Cytogenetic location: 17p13.2.
Variant type: single nucleotide variant.
Coding change: c.4313G>A on transcript NM_033004.4 (MANE Select); coding-DNA position 4313, G replaced by A.
Protein change: p.Arg1438Gln; replaces arginine 1438 with glutamine.
Molecular consequence: missense variant. On other transcripts: intron variant (1).
Genome position (GRCh38, 1-based): chr17:5,514,863, C>T on the plus strand (G>A on the coding strand, the complement: NLRP1 is on the minus strand). VCF-style: chr17-5514863-C-T. GRCh37 (hg19) VCF-style: chr17-5418183-C-T.
Other names: c.4313G>A (NM_033004.3); c.4181G>A, p.Arg1394Gln (NM_014922.5); c.4223G>A, p.Arg1408Gln (NM_033006.4); c.4091G>A, p.Arg1364Gln (NM_033007.4); c.4069+2883G>A (NM_001033053.3); short protein forms R1438Q, R1394Q, R1408Q, R1364Q.
Identifiers: ClinVar variation 502755 (VCV000502755.18), dbSNP rs201167590, ClinGen allele CA8326586.